The following is an entry in ClinVar:

ClinVar aggregate classification (germline): Pathogenic (1 of 4 stars; one submission).

Conditions:
Early-infantile DEE. Also called: Ohtahara syndrome; Early infantile epileptic encephalopathy with suppression bursts; Early infantile epileptic encephalopathy. Identifiers: Orphanet 1934, MedGen C0393706, MONDO:0800491.

Submission:

Labcorp Genetics (formerly Invitae), Labcorp
Classification: Pathogenic for Early-infantile DEE. Last evaluated: 2022-08-19. Review status: criteria provided, single submitter. Criteria: Invitae Variant Classification Sherloc (09022015). Collection method: clinical testing. Allele origin: germline.
Comment: This sequence change creates a premature translational stop signal (p.Glu205*) in the SCN1A gene. It is expected to result in an absent or disrupted protein product. Loss-of-function variants in SCN1A are known to be pathogenic (PMID: 17347258, 18930999). This variant is not present in population databases (gnomAD no frequency). This variant has not been reported in the literature in individuals affected with SCN1A-related conditions. For these reasons, this variant has been classified as Pathogenic.

Literature cited by the submitters: PubMed 17347258; PubMed 18930999.

NM_001165963.4(SCN1A):c.613G>T (p.Glu205Ter)

Gene: SCN1A (sodium voltage-gated channel alpha subunit 1; minus strand). Cytogenetic location: 2q24.3.
Variant type: single nucleotide variant.
Coding change: c.613G>T on transcript NM_001165963.4 (MANE Select); coding-DNA position 613, G replaced by T.
Protein change: p.Glu205Ter; replaces glutamic acid 205 with a stop codon.
Molecular consequence: nonsense. On other transcripts: 5 prime UTR variant (1), non-coding transcript variant (1).
Genome position (GRCh38, 1-based): chr2:166,052,933, C>A on the plus strand (G>T on the coding strand, the complement: SCN1A is on the minus strand). VCF-style: chr2-166052933-C-A. GRCh37 (hg19) VCF-style: chr2-166909443-C-A.
Other names: c.613G>T, p.Glu205Ter (NM_001165964.3, NM_001202435.3, NM_001353948.2 and 10 more transcripts); c.-1813G>T (NM_001353961.2); short protein forms E205*.
Identifiers: ClinVar variation 2024608 (VCV002024608.4), dbSNP rs866146696, ClinGen allele CA349074384.